The following is an entry in ClinVar:

ClinVar aggregate classification (germline): Benign. Review status: criteria provided, multiple submitters, no conflicts (2 of 4 stars). 6 submissions from 6 submitters: Benign (2). 4 of the submissions do not count toward it. Last evaluated 2024-12-18.

Conditions:
Connective tissue disorder. Also called: Connective tissue disease. Identifiers: MedGen C0009782, MONDO:0003900.
SHOX-related short stature. Also called: SHORT STATURE, IDIOPATHIC, X-LINKED. Identifiers: Orphanet 314795, MedGen C1845118, MONDO:0010367, OMIM 300582. Disease mechanism: loss of function.
Leri-Weill dyschondrosteosis (LWD). Also called: Léri-Weill dyschondrosteosis; DYSCHONDROSTEOSIS; Leri-Weill Dyschondrosteosis (LWD). Identifiers: Orphanet 240, MedGen C0265309, MONDO:0007481, OMIM 127300.

Allele frequency attached by ClinVar (database versions not stated): gnomAD 0.28055 and 0.27870; 1000 Genomes Project 30x 0.24558; 1000 Genomes Project 0.25642; gnomAD exomes 0.26786; TOPMed 0.27477.
gnomAD v4.1: 42,392 of 151,914 alleles (28%); highest among the groups gnomAD compares: East Asian, 37%; 6,117 homozygotes.

Submissions (6):

Genomic Medicine Center of Excellence, King Faisal Specialist Hospital and Research Centre
Classification: Benign for Leri-Weill dyschondrosteosis. Last evaluated: 2024-12-18. Review status: criteria provided, single submitter. Criteria: ACMG Guidelines, 2015. Collection method: clinical testing. Allele origin: germline.

Genome Diagnostics Laboratory, The Hospital for Sick Children
Classification: Benign for Connective tissue disorder. Last evaluated: 2022-04-15. Review status: criteria provided, single submitter. Criteria: ACMG Guidelines, 2015. Collection method: clinical testing. Allele origin: germline.

Reproductive Health Research and Development, BGI Genomics
Classification: Benign for Short stature, idiopathic, X-linked. Last evaluated: 2020-01-06. Review status: no assertion criteria provided. Collection method: curation. Allele origin: germline. Not counted in ClinVar's aggregate classification.
Comment: NM_000451.3:c.-507G>C in the gene SHOX has an allele frequency of 0.327 in East Asian subpopulation in the gnomAD database, including 1343 homozygous occurrences. This evidence suggests the variant to be classified as benign. ACMG/AMP criteria applied: BA1.

Genetics Research Lab, Taif University
Classification: Pathogenic for Short stature, idiopathic, X-linked. Review status: no assertion criteria provided. Collection method: not provided. Allele origin: unknown. Not counted in ClinVar's aggregate classification.
Comment: subsitution mutation in non-coding exon-1 of SHOX gene in Idiopathic short stature children patients in taif governorate, Saudi Arabia
ClinVar note: Converted during submission from pathogenic to Pathogenic.

Genome Diagnostics Laboratory, University Medical Center Utrecht
Classification: Benign. Review status: no assertion criteria provided. Collection method: clinical testing. Allele origin: germline. Affected: yes. Study: VKGL Data-share Consensus. Not counted in ClinVar's aggregate classification.

Joint Genome Diagnostic Labs from Nijmegen and Maastricht, Radboudumc and MUMC+
Classification: Benign. Review status: no assertion criteria provided. Collection method: clinical testing. Allele origin: germline. Affected: yes. Study: VKGL Data-share Consensus. Not counted in ClinVar's aggregate classification.

NM_006883.2(SHOX):c.-507G>C

Gene: SHOX (SHOX homeobox; plus strand). Cytogenetic location: Xp22.33.
Variant type: single nucleotide variant.
Coding change: c.-507G>C on transcript NM_006883.2; 507 bases upstream of the start codon, G replaced by C.
Molecular consequence: 5 prime UTR variant.
Genome position (GRCh38, 1-based): chrX:624,528, G>C. VCF-style: chrX-624528-G-C. GRCh37 (hg19) VCF-style: chrX-585263-G-C.
Identifiers: ClinVar variation 191361 (VCV000191361.13), dbSNP rs111549748, ClinGen allele CA213114.